The following is an entry in ClinVar:

NM_006016.6(CD164):c.148C>T (p.Leu50Phe)

Gene: CD164 (CD164 molecule; minus strand). Cytogenetic location: 6q21.
Variant type: single nucleotide variant.
Coding change: c.148C>T on transcript NM_006016.6 (MANE Select); coding-DNA position 148, C replaced by T.
Protein change: p.Leu50Phe; replaces leucine 50 with phenylalanine.
Molecular consequence: missense variant.
Genome position (GRCh38, 1-based): chr6:109,382,231, G>A on the plus strand (C>T on the coding strand, the complement: CD164 is on the minus strand). VCF-style: chr6-109382231-G-A. GRCh37 (hg19) VCF-style: chr6-109703434-G-A.
Other names: c.148C>T, p.Leu50Phe (NM_001142401.3, NM_001142402.3, NM_001142403.3 and 1 more transcripts); c.148C>T (NM_006016.5); short protein forms L50F.
Identifiers: ClinVar variation 3829388 (VCV003829388.2).
Genomic context (GRCh38, chr6:109,382,231, plus strand): 5'-GGAGGGCGGGAAGCCCACAGGGCCCGCGCCCACCTGGTGCCGGAGTGGTGACCAGCGGGA[G>A]GGACGTCACCGGCGCCGAGGTTACGTTGGAGATGGGCGCTAAAGTCGTCACGTTCGGGTG-3'
Protein context (NP_006007.2, residues 40-60): SNVTSAPVTS[Leu50Phe]PLVTTPAPET

ClinVar aggregate classification (germline): Uncertain significance. Review status: criteria provided, multiple submitters, no conflicts (2 of 4 stars). 2 submissions from 2 submitters: Uncertain significance (2). Last evaluated 2025-02-17.

Conditions:
CD164-related disorder. Also called: CD164-related condition.

gnomAD v4.1: 2 of 1,581,198 alleles (0.00013%); highest among the groups gnomAD compares: South Asian, 0.0012%; no homozygotes.

Submissions (2):

PreventionGenetics, part of Exact Sciences
Classification: Uncertain significance for CD164-related condition. Last evaluated: 2025-02-17. Review status: criteria provided, single submitter. Criteria: ACMG Guidelines, 2015. Collection method: clinical testing. Allele origin: germline.
Comment: The CD164 c.148C>T variant is predicted to result in the amino acid substitution p.Leu50Phe. To our knowledge, this variant has not been reported in the literature or in a large population database (gnomAD), indicating this variant is rare. At this time, the clinical significance of this variant is uncertain due to the absence of conclusive functional and genetic evidence.

Ambry Genetics
Classification: Uncertain significance. Last evaluated: 2024-12-20. Review status: criteria provided, single submitter. Criteria: Ambry Variant Classification Scheme 2023. Collection method: clinical testing. Allele origin: germline.